The following is an entry in ClinVar:

NM_000059.4(BRCA2):c.5447del (p.Ser1816fs)

Gene: BRCA2 (BRCA2 DNA repair associated; plus strand). Cytogenetic location: 13q13.1.
Variant type: Deletion.
Coding change: c.5447del on transcript NM_000059.4 (MANE Select); coding-DNA position 5447, one base deleted (G; older notation c.5447delG).
Protein change: p.Ser1816fs; shifts the reading frame from serine 1816.
Molecular consequence: frameshift variant.
Genome position (GRCh38, 1-based): chr13:32,339,802, G deleted. VCF-style (leftmost placement, unchanged base first): chr13-32339801-AG-A. GRCh37 (hg19) VCF-style: chr13-32913938-AG-A.
Other names: short protein forms S1816fs.
Identifiers: ClinVar variation 4737640 (VCV004737640.1).

ClinVar aggregate classification (germline): Pathogenic (1 of 4 stars; one submission).

Conditions:
Hereditary breast ovarian cancer syndrome. Also called: BRCA1- and BRCA2-Associated Hereditary Breast and Ovarian Cancer; Breast and ovarian cancer; Hereditary breast and ovarian cancer; Hereditary breast and ovarian cancer syndrome (HBOC); Hereditary breast and ovarian cancer syndrome; Hereditary breast and/or ovarian cancer syndrome. Identifiers: Orphanet 145, MedGen C0677776, MeSH D061325, MONDO:0003582. Disease mechanism: loss of function.

Submission:

Labcorp Genetics (formerly Invitae), Labcorp
Classification: Pathogenic for Hereditary breast ovarian cancer syndrome. Last evaluated: 2025-07-27. Review status: criteria provided, single submitter. Criteria: Invitae Variant Classification Sherloc (09022015). Collection method: clinical testing. Allele origin: germline.
Comment: This sequence change creates a premature translational stop signal (p.Ser1816Thrfs*24) in the BRCA2 gene. It is expected to result in an absent or disrupted protein product. Loss-of-function variants in BRCA2 are known to be pathogenic (PMID: 20104584). This variant is not present in population databases (gnomAD no frequency). This premature translational stop signal has been observed in individual(s) with breast and ovarian cancer (PMID: 29470806). For these reasons, this variant has been classified as Pathogenic.

Literature cited by the submitters: PubMed 20104584; PubMed 29470806.